The following is an entry in ClinVar:

ClinVar aggregate classification (germline): Uncertain significance. Review status: criteria provided, multiple submitters, no conflicts (2 of 4 stars). 2 submissions from 2 submitters: Uncertain significance (2). Last evaluated 2022-07-11.

Allele frequency attached by ClinVar (database versions not stated): gnomAD exomes below 0.00001 and 0.00001; ExAC 0.00002; TOPMed 0.00004; gnomAD 0.00005 and 0.00006; ESP Exome Variant Server 0.00015.
gnomAD v4.1: 10 of 1,606,512 alleles (0.00062%); highest among the groups gnomAD compares: African/African-American, 0.012%; no homozygotes.

Submissions (2):

Labcorp Genetics (formerly Invitae), Labcorp
Classification: Uncertain significance. Last evaluated: 2022-07-11. Review status: criteria provided, single submitter. Criteria: Invitae Variant Classification Sherloc (09022015). Collection method: clinical testing. Allele origin: germline.
Comment: In summary, the available evidence is currently insufficient to determine the role of this variant in disease. Therefore, it has been classified as a Variant of Uncertain Significance. Algorithms developed to predict the effect of missense changes on protein structure and function are either unavailable or do not agree on the potential impact of this missense change (SIFT: "Deleterious"; PolyPhen-2: "Probably Damaging"; Align-GVGD: "Class C0"). ClinVar contains an entry for this variant (Variation ID: 596483). This variant has not been reported in the literature in individuals affected with IMPG2-related conditions. This variant is present in population databases (rs373314092, gnomAD 0.01%). This sequence change replaces phenylalanine, which is neutral and non-polar, with isoleucine, which is neutral and non-polar, at codon 4 of the IMPG2 protein (p.Phe4Ile).

Eurofins Ntd Llc (ga)
Classification: Uncertain significance. Last evaluated: 2018-03-29. Review status: criteria provided, single submitter. Criteria: EGL ClinVar v180209 classification definitions. Collection method: clinical testing. Allele origin: germline. Observed: 1 variant allele, 1 heterozygote.

NM_016247.4(IMPG2):c.10T>A (p.Phe4Ile)

Gene: IMPG2 (interphotoreceptor matrix proteoglycan 2; minus strand). Cytogenetic location: 3q12.3.
Variant type: single nucleotide variant.
Coding change: c.10T>A on transcript NM_016247.4 (MANE Select); coding-DNA position 10, T replaced by A.
Protein change: p.Phe4Ile; replaces phenylalanine 4 with isoleucine.
Molecular consequence: missense variant.
Genome position (GRCh38, 1-based): chr3:101,320,363, A>T on the plus strand (T>A on the coding strand, the complement: IMPG2 is on the minus strand). VCF-style: chr3-101320363-A-T. GRCh37 (hg19) VCF-style: chr3-101039207-A-T.
Other names: short protein forms F4I.
Identifiers: ClinVar variation 596483 (VCV000596483.13), dbSNP rs373314092, ClinGen allele CA2519582.